The following is an entry in ClinVar:

NM_003737.4(DCHS1):c.5734C>T (p.Arg1912Cys)

Gene: DCHS1 (dachsous cadherin-related 1; minus strand). Cytogenetic location: 11p15.4.
Variant type: single nucleotide variant.
Coding change: c.5734C>T on transcript NM_003737.4 (MANE Select); coding-DNA position 5734, C replaced by T.
Protein change: p.Arg1912Cys; replaces arginine 1912 with cysteine.
Molecular consequence: missense variant.
Genome position (GRCh38, 1-based): chr11:6,627,305, G>A on the plus strand (C>T on the coding strand, the complement: DCHS1 is on the minus strand). VCF-style: chr11-6627305-G-A. GRCh37 (hg19) VCF-style: chr11-6648536-G-A.
Other names: c.5734C>T (NM_003737.3); short protein forms R1912C.
Identifiers: ClinVar variation 3271047 (VCV003271047.4).

ClinVar aggregate classification (germline): Uncertain significance. Review status: criteria provided, multiple submitters, no conflicts (2 of 4 stars). 3 submissions from 3 submitters: Uncertain significance (2). 1 of the submissions does not count toward it. Last evaluated 2024-10-13.

Conditions:
Inborn genetic diseases. Identifiers: MedGen C0950123, MeSH D030342.
DCHS1-related disorder. Also called: DCHS1-related condition.

gnomAD v4.1: 19 of 1,611,934 alleles (0.0012%); highest among the groups gnomAD compares: South Asian, 0.0044%; no homozygotes.

Submissions (3):

Labcorp Genetics (formerly Invitae), Labcorp
Classification: Uncertain significance. Last evaluated: 2024-10-13. Review status: criteria provided, single submitter. Criteria: Invitae Variant Classification Sherloc (09022015). Collection method: clinical testing. Allele origin: germline.
Comment: This sequence change replaces arginine, which is basic and polar, with cysteine, which is neutral and slightly polar, at codon 1912 of the DCHS1 protein (p.Arg1912Cys). This variant is present in population databases (rs537298642, gnomAD 0.003%). This variant has not been reported in the literature in individuals affected with DCHS1-related conditions. Invitae Evidence Modeling of protein sequence and biophysical properties (such as structural, functional, and spatial information, amino acid conservation, physicochemical variation, residue mobility, and thermodynamic stability) indicates that this missense variant is expected to disrupt DCHS1 protein function with a positive predictive value of 80%. In summary, the available evidence is currently insufficient to determine the role of this variant in disease. Therefore, it has been classified as a Variant of Uncertain Significance.

Ambry Genetics
Classification: Uncertain significance for Inborn genetic diseases. Last evaluated: 2024-04-04. Review status: criteria provided, single submitter. Criteria: Ambry Variant Classification Scheme 2023. Collection method: clinical testing. Allele origin: germline.

PreventionGenetics, part of Exact Sciences
Classification: Uncertain significance for DCHS1-related condition. Last evaluated: 2024-06-21. Review status: no assertion criteria provided. Collection method: clinical testing. Allele origin: germline. Not counted in ClinVar's aggregate classification.
Comment: The DCHS1 c.5734C>T variant is predicted to result in the amino acid substitution p.Arg1912Cys. To our knowledge, this variant has not been reported in the literature. This variant is reported in 0.0033% of alleles in individuals of South Asian descent in gnomAD. At this time, the clinical significance of this variant is uncertain due to the absence of conclusive functional and genetic evidence.